The following is an entry in ClinVar:

ClinVar aggregate classification (germline): Uncertain significance (1 of 4 stars; one submission).

Conditions:
Charcot-Marie-Tooth disease type 2. Also called: Charcot-Marie-Tooth type 2. Identifiers: Orphanet 64746, MedGen C0270914, MONDO:0018993.

Allele frequency attached by ClinVar (database versions not stated): ExAC 0.00001; gnomAD 0.00001; TOPMed 0.00001.
gnomAD v4.1: 1 of 1,611,312 alleles (0.000062%); highest among the groups gnomAD compares: African/African-American, 0.0013%; no homozygotes.

Submission:

Labcorp Genetics (formerly Invitae), Labcorp
Classification: Uncertain significance for Charcot-Marie-Tooth disease type 2. Last evaluated: 2023-07-13. Review status: criteria provided, single submitter. Criteria: Invitae Variant Classification Sherloc (09022015). Collection method: clinical testing. Allele origin: germline.
Comment: In summary, the available evidence is currently insufficient to determine the role of this variant in disease. Therefore, it has been classified as a Variant of Uncertain Significance. Advanced modeling of protein sequence and biophysical properties (such as structural, functional, and spatial information, amino acid conservation, physicochemical variation, residue mobility, and thermodynamic stability) performed at Invitae indicates that this missense variant is not expected to disrupt BSCL2 protein function. This variant has not been reported in the literature in individuals affected with BSCL2-related conditions. This variant is present in population databases (rs770133194, gnomAD 0.007%). This sequence change replaces phenylalanine, which is neutral and non-polar, with leucine, which is neutral and non-polar, at codon 68 of the BSCL2 protein (p.Phe68Leu).

NM_001122955.4(BSCL2):c.396C>G (p.Phe132Leu)

Genes: HNRNPUL2-BSCL2 (HNRNPUL2-BSCL2 readthrough (NMD candidate); minus strand), BSCL2 (BSCL2 lipid droplet biogenesis associated, seipin; minus strand). Cytogenetic location: 11q12.3.
Variant type: single nucleotide variant.
Coding change: c.396C>G on transcript NM_001122955.4 (MANE Select); coding-DNA position 396, C replaced by G.
Protein change: p.Phe132Leu; replaces phenylalanine 132 with leucine.
Molecular consequence: missense variant. On other transcripts: non-coding transcript variant (1).
Genome position (GRCh38, 1-based): chr11:62,705,309, G>C on the plus strand (C>G on the coding strand, the complement: BSCL2 is on the minus strand). VCF-style: chr11-62705309-G-C. GRCh37 (hg19) VCF-style: chr11-62472781-G-C.
Other names: c.204C>G, p.Phe68Leu (NM_001130702.2, NM_032667.6); c.396C>G, p.Phe132Leu (NM_001386027.1, NM_001386028.1); short protein forms F68L, F132L.
Identifiers: ClinVar variation 2959524 (VCV002959524.3), dbSNP rs770133194, ClinGen allele CA6053609.
Genomic context (GRCh38, chr11:62,705,309, plus strand): 5'-GGCCTTACAATTCCCATAGGAGTCCTCTATTTTGATAGAAGGCCCCTCTCACCTGTAGTA[G>C]AAATGCACAGGGCTGAGGTGGCTGACTGTCGGCATATAGGAATAGTAGAAGGAGCCATAG-3'
Protein context (NP_001116427.1, residues 122-142): PTVSHLSPVH[Phe132Leu]YYRTDCDSST